The following is an entry in ClinVar:

ClinVar aggregate classification (germline): Uncertain significance (1 of 4 stars; one submission).

Submission:

Labcorp Genetics (formerly Invitae), Labcorp
Classification: Uncertain significance. Last evaluated: 2022-08-15. Review status: criteria provided, single submitter. Criteria: Invitae Variant Classification Sherloc (09022015). Collection method: clinical testing. Allele origin: germline.
Comment: In summary, the available evidence is currently insufficient to determine the role of this variant in disease. Therefore, it has been classified as a Variant of Uncertain Significance. Algorithms developed to predict the effect of missense changes on protein structure and function are either unavailable or do not agree on the potential impact of this missense change (SIFT: "Deleterious"; PolyPhen-2: "Probably Damaging"; Align-GVGD: "Class C0"). ClinVar contains an entry for this variant (Variation ID: 1038350). This variant has not been reported in the literature in individuals affected with PLK4-related conditions. This variant is not present in population databases (gnomAD no frequency). This sequence change replaces isoleucine, which is neutral and non-polar, with methionine, which is neutral and non-polar, at codon 40 of the PLK4 protein (p.Ile40Met).

NM_014264.5(PLK4):c.120C>G (p.Ile40Met)

Gene: PLK4 (polo like kinase 4; plus strand). Cytogenetic location: 4q28.1.
Variant type: single nucleotide variant.
Coding change: c.120C>G on transcript NM_014264.5 (MANE Select); coding-DNA position 120, C replaced by G.
Protein change: p.Ile40Met; replaces isoleucine 40 with methionine.
Molecular consequence: missense variant. On other transcripts: 5 prime UTR variant (1).
Genome position (GRCh38, 1-based): chr4:127,881,920, C>G. VCF-style: chr4-127881920-C-G. GRCh37 (hg19) VCF-style: chr4-128803075-C-G.
Other names: c.120C>G, p.Ile40Met (NM_001190799.2); c.-4C>G (NM_001190801.2); short protein forms I40M.
Identifiers: ClinVar variation 1038350 (VCV001038350.5), dbSNP rs1560690277, ClinGen allele CA358167218.
Genomic context (GRCh38, chr4:127,881,920, plus strand): 5'-AGGATCATTTGCTGGTGTCTACAGAGCTGAGTCCATTCACACTGGTTTGGAAGTTGCAAT[C>G]AAAATGGTAAGAATAAACTAATCAACTTCTCTCCTGTACTTTGCAAGTAACTAGAGAGGT-3'
Protein context (NP_055079.3, residues 30-50): ESIHTGLEVA[Ile40Met]KMIDKKAMYK